The following is an entry in ClinVar:

ClinVar aggregate classification (germline): Likely pathogenic (1 of 4 stars; one submission).

Conditions:
Familial dysautonomia. Also called: FD; HSAN III. Identifiers: Orphanet 1764, MedGen C0013364, MONDO:0009131, OMIM 223900. Disease mechanism: loss of function.

gnomAD v4.1: 1 of 1,605,126 alleles (0.000062%); highest among the groups gnomAD compares: Non-Finnish European, 0.000085%; no homozygotes.

Submission:

Natera, Inc.
Classification: Likely pathogenic for Familial dysautonomia. Last evaluated: 2025-04-11. Review status: criteria provided, single submitter. Criteria: Natera Variant Classification Schema (03/2026). Collection method: clinical testing. Allele origin: germline.
Comment: The c.649+1G>C variant in ELP1 is a canonical splice donor site variant predicted to affect pre-mRNA splicing, which may result in an abnormal transcript and altered protein product. This variant is expected to result in nonsense mediated decay, truncation, or a dysfunctional protein product. This variant is rare in the general population with a frequency below the threshold expected for the associated phenotype(s). Given the available evidence, this variant is classified as Likely Pathogenic.

NM_003640.5(ELP1):c.649+1G>C

Gene: ELP1 (elongator acetyltransferase complex subunit 1; minus strand). Cytogenetic location: 9q31.3.
Variant type: single nucleotide variant.
Coding change: c.649+1G>C on transcript NM_003640.5 (MANE Select); the canonical splice donor site of the intron after coding-DNA position 649, G replaced by C.
Molecular consequence: splice donor variant. On other transcripts: intron variant (1).
Genome position (GRCh38, 1-based): chr9:108,919,252, C>G on the plus strand (G>C on the coding strand, the complement: ELP1 is on the minus strand). VCF-style: chr9-108919252-C-G. GRCh37 (hg19) VCF-style: chr9-111681532-C-G.
Other names: c.307+1G>C (NM_001318360.2); c.-307-1582G>C (NM_001330749.2).
Identifiers: ClinVar variation 4067212 (VCV004067212.2).